The following is an entry in ClinVar:

NM_001375405.1(CEP120):c.2925C>T (p.Ile975=)

Gene: CEP120 (centrosomal protein 120; minus strand). Cytogenetic location: 5q23.2.
Variant type: single nucleotide variant.
Coding change: c.2925C>T on transcript NM_001375405.1 (MANE Select); coding-DNA position 2925, C replaced by T.
Protein change: p.Ile975=; no amino-acid change (isoleucine 975 retained).
Molecular consequence: synonymous variant. On other transcripts: 3 prime UTR variant (1), non-coding transcript variant (1).
Genome position (GRCh38, 1-based): chr5:123,346,555, G>A on the plus strand (C>T on the coding strand, the complement: CEP120 is on the minus strand). VCF-style: chr5-123346555-G-A. GRCh37 (hg19) VCF-style: chr5-122682249-G-A.
Other names: c.2847C>T, p.Ile949= (NM_001166226.2); c.2790C>T, p.Ile930= (NM_001375406.1); c.*194C>T (NM_001375407.1); c.2352C>T, p.Ile784= (NM_001375408.1, NM_001375409.1); c.2925C>T, p.Ile975= (NM_153223.4).
Identifiers: ClinVar variation 1197570 (VCV001197570.12), dbSNP rs147730520, ClinGen allele CA3386495.

ClinVar aggregate classification (germline): Likely benign. Review status: criteria provided, multiple submitters, no conflicts (2 of 4 stars). 4 submissions from 4 submitters: Likely benign (4). Last evaluated 2025-07-06.

Conditions:
CEP120-related disorder. Also called: CEP120-Related Disorders; CEP120-related condition.
Short-rib thoracic dysplasia 13 with or without polydactyly (SRTD13). Identifiers: Orphanet 474, MedGen C4225378, MONDO:0014577, OMIM 616300.

Allele frequency attached by ClinVar (database versions not stated): ExAC 0.00003; gnomAD 0.00006 and 0.00007; gnomAD exomes 0.00006; ESP Exome Variant Server 0.00015; 1000 Genomes Project 30x 0.00016; 1000 Genomes Project 0.00020.
gnomAD v4.1: 328 of 1,612,966 alleles (0.02%); highest among the groups gnomAD compares: Non-Finnish European, 0.026%; no homozygotes.

Submissions (4):

Labcorp Genetics (formerly Invitae), Labcorp
Classification: Likely benign for Short-rib thoracic dysplasia 13 with or without polydactyly. Last evaluated: 2025-07-06. Review status: criteria provided, single submitter. Criteria: Invitae Variant Classification Sherloc (09022015). Collection method: clinical testing. Allele origin: germline.

PreventionGenetics, part of Exact Sciences
Classification: Likely benign for CEP120-related condition. Last evaluated: 2025-05-01. Review status: criteria provided, single submitter. Criteria: ACMG Guidelines, 2015. Collection method: clinical testing. Allele origin: germline.
Comment: This variant is classified as likely benign based on ACMG/AMP sequence variant interpretation guidelines (Richards et al. 2015 PMID: 25741868, with internal and published modifications).

Blueprint Genetics
Classification: Likely benign. Last evaluated: 2023-09-14. Review status: criteria provided, single submitter. Criteria: ACMG Guidelines, 2015. Collection method: clinical testing. Allele origin: germline.

GeneDx
Classification: Likely benign. Last evaluated: 2020-06-01. Review status: criteria provided, single submitter. Criteria: GeneDx Variant Classification Process June 2021. Collection method: clinical testing. Allele origin: germline. Affected: yes.